The following is an entry in ClinVar:

NM_005340.7(HINT1):c.112-1del

Gene: HINT1 (histidine triad nucleotide binding protein 1; minus strand). Cytogenetic location: 5q23.3.
Variant type: Deletion.
Coding change: c.112-1del on transcript NM_005340.7 (MANE Select); the canonical splice acceptor site of the intron before coding-DNA position 112, one base deleted (G; older notation c.112-1delG).
Molecular consequence: splice acceptor variant.
Genome position (GRCh38, 1-based): chr5:131,162,677, C deleted on the plus strand (G on the coding strand, the reverse complement: HINT1 is on the minus strand). VCF-style (leftmost placement, unchanged base first): chr5-131162676-AC-A. GRCh37 (hg19) VCF-style: chr5-130498369-AC-A.
Identifiers: ClinVar variation 1916267 (VCV001916267.5), dbSNP rs2479570025, ClinGen allele CA2578398363.
Genomic context (GRCh38, chr5:131,162,676, plus strand): 5'-TCTTGGGTATCACCAGAAAATGTGTTGGTGCTTGAGGGGAAATGTCATGGAAAGCAAGGC[AC>A]TAGGGAAAAGAGAAATAAATAAATAAATCAAACTTTTAGTATATTGGTAGGATAAAACTT-3'

ClinVar aggregate classification (germline): Likely pathogenic (1 of 4 stars; one submission).

Conditions:
Autosomal recessive axonal neuropathy with neuromyotonia (NMAN). Also called: Gamstorp-Wohlfart syndrome; MYOKYMIA, MYOTONIA, AND MUSCLE WASTING; Neuromyotonia and axonal neuropathy, autosomal recessive. Identifiers: Orphanet 324442, MedGen C5700127, MONDO:0007646, OMIM 137200.

Allele frequency attached by ClinVar (database versions not stated): gnomAD exomes below 0.00001.

Submission:

Labcorp Genetics (formerly Invitae), Labcorp
Classification: Likely pathogenic for Autosomal recessive axonal neuropathy with neuromyotonia. Last evaluated: 2023-07-10. Review status: criteria provided, single submitter. Criteria: Invitae Variant Classification Sherloc (09022015). Collection method: clinical testing. Allele origin: germline.
Comment: ClinVar contains an entry for this variant (Variation ID: 1916267). In summary, the currently available evidence indicates that the variant is pathogenic, but additional data are needed to prove that conclusively. Therefore, this variant has been classified as Likely Pathogenic. Algorithms developed to predict the effect of sequence changes on RNA splicing suggest that this variant may disrupt the consensus splice site. Disruption of this splice site has been observed in individual(s) with hereditary motor and sensory neuropathy (PMID: 31848916). This variant is not present in population databases (gnomAD no frequency). This sequence change affects a splice site in intron 1 of the HINT1 gene. It is expected to disrupt RNA splicing. Variants that disrupt the donor or acceptor splice site typically lead to a loss of protein function (PMID: 16199547), and loss-of-function variants in HINT1 are known to be pathogenic (PMID: 22961002, 25342199, 26059562).

Literature cited by the submitters: PubMed 31848916; PubMed 16199547; PubMed 22961002; PubMed 25342199; PubMed 26059562.